The following is an entry in ClinVar:

NM_001042545.2(LTBP4):c.2681-10C>G

Gene: LTBP4 (latent transforming growth factor beta binding protein 4; plus strand). Cytogenetic location: 19q13.2.
Variant type: single nucleotide variant.
Coding change: c.2681-10C>G on transcript NM_001042545.2 (MANE Select); 10 bases into the intron before coding-DNA position 2681, C replaced by G.
Molecular consequence: intron variant.
Genome position (GRCh38, 1-based): chr19:40,614,305, C>G. VCF-style: chr19-40614305-C-G. GRCh37 (hg19) VCF-style: chr19-41120211-C-G.
Other names: c.2771-10C>G (NM_003573.2); c.2882-10C>G (NM_001042544.1).
Identifiers: ClinVar variation 329319 (VCV000329319.20), dbSNP rs200914063, ClinGen allele CA9448775.

ClinVar aggregate classification (germline): Conflicting classifications of pathogenicity. Review status: criteria provided, conflicting classifications (1 of 4 stars). 5 submissions from 5 submitters: Uncertain significance (1); Benign (1); Likely benign (2). 1 of the submissions does not count toward it. Last evaluated 2026-02-02.

Conditions:
Cutis laxa with severe pulmonary, gastrointestinal and urinary anomalies. Also called: LTBP4-Related Cutis Laxa; URBAN-RIFKIN-DAVIS SYNDROME; Cutis laxa, autosomal recessive, type IC. Identifiers: Orphanet 221145, MedGen C2750804, MONDO:0013170, OMIM 613177. Disease mechanism: loss of function.
LTBP4-related disorder. Also called: LTBP4-related condition.

Allele frequency attached by ClinVar (database versions not stated): 1000 Genomes Project 30x 0.00047; 1000 Genomes Project 0.00060; gnomAD 0.00082 and 0.00084; TOPMed 0.00082; ExAC 0.00088; ESP Exome Variant Server 0.00114; gnomAD exomes 0.00120.
gnomAD v4.1: 1,099 of 1,594,638 alleles (0.069%); highest among the groups gnomAD compares: Middle Eastern, 0.23%; 7 homozygotes.

Submissions (9):

Labcorp Genetics (formerly Invitae), Labcorp
Classification: Likely benign. Last evaluated: 2026-02-02. Review status: criteria provided, single submitter. Criteria: Invitae Variant Classification Sherloc (09022015). Collection method: clinical testing. Allele origin: germline.

Dubai Health Genomic Medicine Center, Dubai Health
Classification: Benign for Cutis laxa with severe pulmonary, gastrointestinal and urinary anomalies. Last evaluated: 2020-04-02. Review status: criteria provided, single submitter. Criteria: ACMG Guidelines, 2015. Collection method: clinical testing. Allele origin: germline. Affected: yes.

Illumina Laboratory Services, Illumina
Classification: Uncertain significance for Cutis laxa with severe pulmonary, gastrointestinal and urinary anomalies. Last evaluated: 2018-01-12. Review status: criteria provided, single submitter. Criteria: ICSL Variant Classification Criteria 13 December 2019. Collection method: clinical testing. Allele origin: germline.

GeneDx
Classification: Likely benign. Last evaluated: 2017-03-13. Review status: criteria provided, single submitter. Criteria: GeneDx Variant Classification (06012015). Collection method: clinical testing. Allele origin: germline. Affected: yes.
Comment: This variant is considered likely benign or benign based on one or more of the following criteria: it is a conservative change, it occurs at a poorly conserved position in the protein, it is predicted to be benign by multiple in silico algorithms, and/or has population frequency not consistent with disease.

PreventionGenetics, part of Exact Sciences
Classification: Benign for LTBP4-related condition. Last evaluated: 2020-06-11. Review status: no assertion criteria provided. Collection method: clinical testing. Allele origin: germline. Not counted in ClinVar's aggregate classification.
Comment: This variant is classified as benign based on ACMG/AMP sequence variant interpretation guidelines (Richards et al. 2015 PMID: 25741868, with internal and published modifications).

Dr. Peter K. Rogan Lab, Western University
No classification provided (evidence only). Condition: Nonpapillary renal cell carcinoma. Review status: no classification provided. Collection method: in vitro. Allele origin: not applicable. Functional consequence: retained intron. Not counted in ClinVar's aggregate classification.

Dr. Peter K. Rogan Lab, Western University
No classification provided (evidence only). Condition: Ovarian serous cystadenocarcinoma. Review status: no classification provided. Collection method: in vitro. Allele origin: not applicable. Functional consequence: retained intron. Not counted in ClinVar's aggregate classification.

Dr. Peter K. Rogan Lab, Western University
No classification provided (evidence only). Condition: Gastric cancer. Review status: no classification provided. Collection method: in vitro. Allele origin: not applicable. Functional consequence: retained intron. Not counted in ClinVar's aggregate classification.

Dr. Peter K. Rogan Lab, Western University
No classification provided (evidence only). Condition: Malignant tumor of esophagus. Review status: no classification provided. Collection method: in vitro. Allele origin: not applicable. Functional consequence: retained intron. Not counted in ClinVar's aggregate classification.